The following is an entry in ClinVar:

ClinVar aggregate classification (germline): Likely pathogenic. Review status: criteria provided, single submitter (1 of 4 stars). 2 submissions from 2 submitters: Likely pathogenic (1). 1 of the submissions does not count toward it. Last evaluated 2015-08-18.

Conditions:
Charcot-Marie-Tooth disease type 2R. Also called: CHARCOT-MARIE-TOOTH DISEASE, AXONAL, AUTOSOMAL RECESSIVE, TYPE 2R; Charcot-Marie-Tooth disease, axonal, type 2R; CHARCOT-MARIE-TOOTH NEUROPATHY, TYPE 2R. Identifiers: Orphanet 397968, MedGen C3809655, MONDO:0014208, OMIM 615490.

Submissions (2):

Lupski Lab, Baylor-Hopkins CMG, Baylor College of Medicine
Classification: Likely pathogenic for Charcot-Marie-Tooth disease type 2R. Last evaluated: 2015-08-18. Review status: criteria provided, single submitter. Criteria: Gonzaga-Jauregui et al. (Cell Rep. 2015). Collection method: research. Allele origin: inherited. Inheritance: Autosomal recessive inheritance. Affected: yes. Observed: 1 variant allele, 1 homozygote.
Comment: Likely pathogenic based on conservation and prediction scores (Phylop, Polyphen, SIFT, MutationTaster) and consistent with peripheral axonal neuropathy of individual.

OMIM
Classification: Pathogenic for CHARCOT-MARIE-TOOTH DISEASE, AXONAL, TYPE 2R. Last evaluated: 2015-06-01. Review status: no assertion criteria provided. Collection method: literature only. Allele origin: germline. Not counted in ClinVar's aggregate classification.

Literature cited by the submitters: PubMed 25893792 (cited by Lupski Lab, Baylor-Hopkins CMG, Baylor College of Medicine and OMIM).

NM_015271.5(TRIM2):c.2000A>C (p.Asp667Ala)

Gene: TRIM2 (tripartite motif containing 2; plus strand). Cytogenetic location: 4q31.3.
Variant type: single nucleotide variant.
Coding change: c.2000A>C on transcript NM_015271.5 (MANE Select); coding-DNA position 2000, A replaced by C.
Protein change: p.Asp667Ala; replaces aspartic acid 667 with alanine.
Molecular consequence: missense variant.
Genome position (GRCh38, 1-based): chr4:153,324,126, A>C. VCF-style: chr4-153324126-A-C. GRCh37 (hg19) VCF-style: chr4-154245278-A-C.
Other names: c.1919A>C, p.Asp640Ala (NM_001130067.2); c.1985A>C, p.Asp662Ala (NM_001351054.2); c.1982A>C, p.Asp661Ala (NM_001351055.2); c.1931A>C, p.Asp644Ala (NM_001351056.2); c.1544A>C, p.Asp515Ala (NM_001351057.2); short protein forms D640A, D667A, D644A, D661A, D662A, D515A.
Identifiers: ClinVar variation 243075 (VCV000243075.2), dbSNP rs879253863, ClinGen allele CA10584080.